The following is an entry in ClinVar:

ClinVar aggregate classification (germline): Uncertain significance (1 of 4 stars; one submission).

Conditions:
Muscular dystrophy-dystroglycanopathy (congenital with brain and eye anomalies), type A9. Also called: WALKER-WARBURG SYNDROME OR MUSCLE-EYE BRAIN DISEASE, DAG1-RELATED; Muscular dystrophy-dystroglycanopathy (congenital with brain and eye anomalies), type a, 9. Identifiers: Orphanet 370997, Orphanet 899, MedGen C4225291, MONDO:0014683, OMIM 616538.
Autosomal recessive limb-girdle muscular dystrophy type 2P. Also called: Limb-Girdle Muscular Dystrophy Type 9C; MUSCULAR DYSTROPHY, LIMB-GIRDLE, TYPE 2P; MUSCULAR DYSTROPHY-DYSTROGLYCANOPATHY, LIMB-GIRDLE, DAG1-RELATED. Identifiers: Orphanet 280333, MedGen C4511963, MONDO:0013440, OMIM 613818.

Submission:

Labcorp Genetics (formerly Invitae), Labcorp
Classification: Uncertain significance for Autosomal recessive limb-girdle muscular dystrophy type 2P; Muscular dystrophy-dystroglycanopathy (congenital with brain and eye anomalies), type A9. Last evaluated: 2020-02-19. Review status: criteria provided, single submitter. Criteria: Invitae Variant Classification Sherloc (09022015). Collection method: clinical testing. Allele origin: germline.
Comment: This sequence change affects codon 70 of the DAG1 mRNA. It is a 'silent' change, meaning that it does not change the encoded amino acid sequence of the DAG1 protein. This variant is not present in population databases (ExAC no frequency). This variant has not been reported in the literature in individuals with DAG1-related conditions. Algorithms developed to predict the effect of sequence changes on RNA splicing suggest that this variant may create or strengthen a splice site, but this prediction has not been confirmed by published transcriptional studies. In summary, the available evidence is currently insufficient to determine the role of this variant in disease. Therefore, it has been classified as a Variant of Uncertain Significance.

NM_004393.6(DAG1):c.210C>T (p.Gly70=)

Gene: DAG1 (dystroglycan 1; plus strand). Cytogenetic location: 3p21.31.
Variant type: single nucleotide variant.
Coding change: c.210C>T on transcript NM_004393.6 (MANE Select); coding-DNA position 210, C replaced by T.
Protein change: p.Gly70=; no amino-acid change (glycine 70 retained).
Molecular consequence: synonymous variant.
Genome position (GRCh38, 1-based): chr3:49,510,744, C>T. VCF-style: chr3-49510744-C-T. GRCh37 (hg19) VCF-style: chr3-49548177-C-T.
Other names: c.210C>T, p.Gly70= (NM_001165928.4, NM_001177634.3, NM_001177635.3 and 9 more transcripts).
Identifiers: ClinVar variation 1060047 (VCV001060047.1), dbSNP rs2107648464, ClinGen allele CA433838787.